The following is an entry in ClinVar:

NM_001367624.2(ZNF469):c.6825G>A (p.Gly2275=)

Gene: ZNF469 (zinc finger protein 469; plus strand). Cytogenetic location: 16q24.2.
Variant type: single nucleotide variant.
Coding change: c.6825G>A on transcript NM_001367624.2 (MANE Select); coding-DNA position 6825, G replaced by A.
Protein change: p.Gly2275=; no amino-acid change (glycine 2275 retained).
Molecular consequence: synonymous variant.
Genome position (GRCh38, 1-based): chr16:88,434,295, G>A. VCF-style: chr16-88434295-G-A. GRCh37 (hg19) VCF-style: chr16-88500703-G-A.
Other names: NM_001127464.2:c.6741G>A.
Identifiers: ClinVar variation 1610181 (VCV001610181.10), dbSNP rs780211919, ClinGen allele CA8225185.

ClinVar aggregate classification (germline): Likely benign. Review status: criteria provided, single submitter (1 of 4 stars). 2 submissions from 2 submitters: Likely benign (1). 1 of the submissions does not count toward it. Last evaluated 2022-12-11.

Conditions:
ZNF469-related disorder. Also called: ZNF469-related condition.

Allele frequency attached by ClinVar (database versions not stated): gnomAD exomes below 0.00001 and 0.00001; TOPMed below 0.00001; ExAC 0.00006.
gnomAD v4.1: 3 of 1,550,340 alleles (0.00019%); highest among the groups gnomAD compares: Non-Finnish European, 0.00026%; no homozygotes.

Submissions (2):

Labcorp Genetics (formerly Invitae), Labcorp
Classification: Likely benign. Last evaluated: 2022-12-11. Review status: criteria provided, single submitter. Criteria: Invitae Variant Classification Sherloc (09022015). Collection method: clinical testing. Allele origin: germline.

PreventionGenetics, part of Exact Sciences
Classification: Likely benign for ZNF469-related condition. Last evaluated: 2020-10-30. Review status: no assertion criteria provided. Collection method: clinical testing. Allele origin: germline. Not counted in ClinVar's aggregate classification.
Comment: This variant is classified as likely benign based on ACMG/AMP sequence variant interpretation guidelines (Richards et al. 2015 PMID: 25741868, with internal and published modifications).